The following is an entry in ClinVar:

ClinVar aggregate classification (germline): Conflicting classifications of pathogenicity. Review status: criteria provided, conflicting classifications (1 of 4 stars). 3 submissions from 3 submitters: Uncertain significance (2); Likely benign (1). Last evaluated 2025-07-28.

Conditions:
Hereditary cancer-predisposing syndrome. Also called: Hereditary Cancer Syndrome; Neoplastic Syndromes, Hereditary; Hereditary neoplastic syndrome; Tumor predisposition. Identifiers: Orphanet 140162, MedGen C0027672, MeSH D009386, MONDO:0015356.
Tuberous sclerosis 2 (TSC2). Identifiers: Orphanet 805, MedGen C1860707, MONDO:0013199, OMIM 613254.

Allele frequency attached by ClinVar (database versions not stated): ExAC 0.00002; gnomAD exomes 0.00002.
gnomAD v4.1: 6 of 1,609,212 alleles (0.00037%); highest among the groups gnomAD compares: South Asian, 0.0066%; no homozygotes.

Submissions (3):

Labcorp Genetics (formerly Invitae), Labcorp
Classification: Likely benign for Tuberous sclerosis 2. Last evaluated: 2025-07-28. Review status: criteria provided, single submitter. Criteria: Invitae Variant Classification Sherloc (09022015). Collection method: clinical testing. Allele origin: germline.

Ambry Genetics
Classification: Uncertain significance for Hereditary cancer-predisposing syndrome. Last evaluated: 2023-09-18. Review status: criteria provided, single submitter. Criteria: Ambry Variant Classification Scheme 2023. Collection method: clinical testing. Allele origin: germline.
Comment: The c.3285-3C>A intronic variant results from a C to A substitution 3 nucleotides upstream from coding exon 28 in the TSC2 gene. This nucleotide position is not well conserved in available vertebrate species. In silico splice site analysis predicts that this alteration may weaken the native splice acceptor site; however, direct evidence is insufficient at this time (Ambry internal data). Since supporting evidence is limited at this time, the clinical significance of this alteration remains unclear.

Genome-Nilou Lab
Classification: Uncertain significance for Tuberous sclerosis 2. Last evaluated: 2021-11-07. Review status: criteria provided, single submitter. Criteria: ACMG Guidelines, 2015. Collection method: clinical testing. Allele origin: germline. Affected: no.

NM_000548.5(TSC2):c.3285-3C>A

Gene: TSC2 (TSC complex subunit 2; plus strand). Cytogenetic location: 16p13.3.
Variant type: single nucleotide variant.
Coding change: c.3285-3C>A on transcript NM_000548.5 (MANE Select); 3 bases into the intron before coding-DNA position 3285, C replaced by A.
Molecular consequence: intron variant.
Genome position (GRCh38, 1-based): chr16:2,079,554, C>A. VCF-style: chr16-2079554-C-A. GRCh37 (hg19) VCF-style: chr16-2129555-C-A.
Other names: c.3285-3C>A (NM_001114382.3); c.3156-3C>A (NM_021055.3, NM_001370405.1, NM_001363528.2); c.3153-3C>A (NM_001370404.1, NM_001077183.3); c.3045-3C>A (NM_001318827.2); c.2553-3C>A (NM_001318831.2); c.3009-3C>A (NM_001318829.2); c.3186-3C>A (NM_001318832.2).
Identifiers: ClinVar variation 823429 (VCV000823429.13), dbSNP rs781023043, ClinGen allele CA045452.